The following is an entry in ClinVar:

NM_001458.5(FLNC):c.7907G>T (p.Ser2636Ile)

Genes: FLNC (filamin C; plus strand), FLNC-AS1 (FLNC antisense RNA 1; minus strand). Cytogenetic location: 7q32.1.
Variant type: single nucleotide variant.
Coding change: c.7907G>T on transcript NM_001458.5 (MANE Select); coding-DNA position 7907, G replaced by T.
Protein change: p.Ser2636Ile; replaces serine 2636 with isoleucine.
Molecular consequence: missense variant.
Genome position (GRCh38, 1-based): chr7:128,858,134, G>T. VCF-style: chr7-128858134-G-T. GRCh37 (hg19) VCF-style: chr7-128498188-G-T.
Other names: c.7808G>T, p.Ser2603Ile (NM_001127487.2); c.7907G>T (NM_001458.4); short protein forms S2603I, S2636I.
Identifiers: ClinVar variation 999749 (VCV000999749.8), dbSNP rs1424306829, ClinGen allele CA369220421.

ClinVar aggregate classification (germline): Uncertain significance. Review status: criteria provided, multiple submitters, no conflicts (2 of 4 stars). 2 submissions from 2 submitters: Uncertain significance (2). Last evaluated 2023-02-18.

Conditions:
Myofibrillar myopathy 5. Also called: Filaminopathy (type); FILAMINOPATHY, AUTOSOMAL DOMINANT. Identifiers: Orphanet 171445, MedGen C1836050, MONDO:0012289, OMIM 609524.
Distal myopathy with posterior leg and anterior hand involvement. Also called: WILLIAMS DISTAL MYOPATHY. Identifiers: Orphanet 63273, MedGen C3279722, MONDO:0013550, OMIM 614065.
Hypertrophic cardiomyopathy 26. Also called: Cardiomyopathy, familial hypertrophic, 26. Identifiers: Orphanet 75249, MedGen C4310749, MONDO:0014883, OMIM 617047.
Cardiovascular phenotype. Identifiers: MedGen CN230736.

Allele frequency attached by ClinVar (database versions not stated): TOPMed 0.00001.

Submissions (2):

Ambry Genetics
Classification: Uncertain significance for Cardiovascular phenotype. Last evaluated: 2023-02-18. Review status: criteria provided, single submitter. Criteria: Ambry Variant Classification Scheme 2023. Collection method: clinical testing. Allele origin: germline.
Comment: The p.S2636I variant (also known as c.7907G>T), located in coding exon 47 of the FLNC gene, results from a G to T substitution at nucleotide position 7907. The serine at codon 2636 is replaced by isoleucine, an amino acid with dissimilar properties. This amino acid position is conserved. In addition, this alteration is predicted to be deleterious by in silico analysis. Since supporting evidence is limited at this time, the clinical significance of this alteration remains unclear.

Labcorp Genetics (formerly Invitae), Labcorp
Classification: Uncertain significance for Distal myopathy with posterior leg and anterior hand involvement; Myofibrillar myopathy 5; Hypertrophic cardiomyopathy 26. Last evaluated: 2021-12-10. Review status: criteria provided, single submitter. Criteria: Invitae Variant Classification Sherloc (09022015). Collection method: clinical testing. Allele origin: germline.
Comment: This sequence change replaces serine, which is neutral and polar, with isoleucine, which is neutral and non-polar, at codon 2636 of the FLNC protein (p.Ser2636Ile). In summary, the available evidence is currently insufficient to determine the role of this variant in disease. Therefore, it has been classified as a Variant of Uncertain Significance. Algorithms developed to predict the effect of missense changes on protein structure and function are either unavailable or do not agree on the potential impact of this missense change (SIFT: "Deleterious"; PolyPhen-2: "Possibly Damaging"; Align-GVGD: "Class C15"). ClinVar contains an entry for this variant (Variation ID: 999749). This variant has not been reported in the literature in individuals affected with FLNC-related conditions. This variant is not present in population databases (gnomAD no frequency).